The following is an entry in ClinVar:

ClinVar aggregate classification (germline): Benign. Review status: criteria provided, multiple submitters, no conflicts (2 of 4 stars). 6 submissions from 6 submitters: Benign (5). 1 of the submissions does not count toward it. Last evaluated 2026-02-03.

Conditions:
Combined oxidative phosphorylation defect type 20. Also called: Combined oxidative phosphorylation deficiency 20. Identifiers: Orphanet 420728, MedGen C4014660, MONDO:0014397, OMIM 615917.

Allele frequency attached by ClinVar (database versions not stated): gnomAD 0.52561 and 0.53967; TOPMed 0.52852; gnomAD exomes 0.54205 and 0.54975; 1000 Genomes Project 30x 0.61883; 1000 Genomes Project 0.62979; ExAC 0.64170.

Submissions (6):

Labcorp Genetics (formerly Invitae), Labcorp
Classification: Benign. Last evaluated: 2026-02-03. Review status: criteria provided, single submitter. Criteria: Invitae Variant Classification Sherloc (09022015). Collection method: clinical testing. Allele origin: germline.

Blueprint Genetics
Classification: Benign. Last evaluated: 2024-11-27. Review status: criteria provided, single submitter. Criteria: ACMG Guidelines, 2015. Collection method: clinical testing. Allele origin: germline.

Unidad de Genómica Garrahan, Hospital de Pediatría Garrahan
Classification: Benign. Last evaluated: 2024-07-31. Review status: criteria provided, single submitter. Criteria: ACMG Guidelines, 2015. Collection method: clinical testing. Allele origin: germline. Affected: no. Observed: 79 variant alleles.
Comment: This variant is classified as Benign based on local population frequency. This variant was detected in 85% of patients studied in a panel designed for Epileptic and Developmental Encephalopathy, Progressive Myoclonus Epilepsy and Abnormal Movements and Neurodegeneration with brain iron accumulation. Number of patients: 79. Only high quality variants are reported.

Genome-Nilou Lab
Classification: Benign for Combined oxidative phosphorylation defect type 20. Last evaluated: 2021-12-05. Review status: criteria provided, single submitter. Criteria: ACMG Guidelines, 2015. Collection method: clinical testing. Allele origin: germline. Affected: no.

GeneDx
Classification: Benign. Last evaluated: 2015-12-22. Review status: criteria provided, single submitter. Criteria: GeneDx Variant Classification (06012015). Collection method: clinical testing. Allele origin: germline. Affected: yes.
Comment: This variant is considered likely benign or benign based on one or more of the following criteria: it is a conservative change, it occurs at a poorly conserved position in the protein, it is predicted to be benign by multiple in silico algorithms, and/or has population frequency not consistent with disease.

Mayo Clinic Laboratories, Mayo Clinic
Classification: Benign. Last evaluated: 2016-02-19. Review status: no assertion criteria provided. Collection method: clinical testing. Allele origin: unknown. Not counted in ClinVar's aggregate classification.

NM_020442.6(VARS2):c.-28+82T>C

Gene: VARS2 (valyl-tRNA synthetase 2, mitochondrial; plus strand). Cytogenetic location: 6p21.33.
Variant type: single nucleotide variant.
Coding change: c.-28+82T>C on transcript NM_020442.6 (MANE Select); 82 bases into the intron after 28 bases upstream of the start codon, T replaced by C.
Molecular consequence: intron variant. On other transcripts: synonymous variant (1).
Genome position (GRCh38, 1-based): chr6:30,914,426, T>C. VCF-style: chr6-30914426-T-C. GRCh37 (hg19) VCF-style: chr6-30882203-T-C.
Other names: c.15T>C, p.Ala5= (NM_001167734.2); c.-220+82T>C (NM_001167733.3).
Identifiers: ClinVar variation 380148 (VCV000380148.17), dbSNP rs1264306, ClinGen allele CA3705459.
Genomic context (GRCh38, chr6:30,914,426, plus strand): 5'-CTCCGGGAAGTGGGAGACGCTGCGGGTCCTGGGCCCAGGCCTTGGGATGGGCGGGAAGGC[T>C]TGGCCGCGCCGGGCTGTGGGCACTGCAGGAGGCCCCTGTGCAGGTGGAGATCGCCGCGGC-3'